The following is an entry in ClinVar:

ClinVar aggregate classification (germline): Likely benign (0 of 4 stars; one submission).

Conditions:
LAMC1-related disorder. Also called: LAMC1-related condition.

Allele frequency attached by ClinVar (database versions not stated): gnomAD 0.00013; gnomAD exomes 0.00013; 1000 Genomes Project 30x 0.00016; TOPMed 0.00017; 1000 Genomes Project 0.00020; ExAC 0.00021.
gnomAD v4.1: 223 of 1,614,208 alleles (0.014%); highest among the groups gnomAD compares: Middle Eastern, 0.099%; 2 homozygotes.

Submission:

PreventionGenetics, part of Exact Sciences
Classification: Likely benign for LAMC1-related condition. Last evaluated: 2019-05-28. Review status: no assertion criteria provided. Collection method: clinical testing. Allele origin: germline.
Comment: This variant is classified as likely benign based on ACMG/AMP sequence variant interpretation guidelines (Richards et al. 2015 PMID: 25741868, with internal and published modifications).

NM_002293.4(LAMC1):c.3459G>A (p.Glu1153=)

Gene: LAMC1 (laminin subunit gamma 1; plus strand). Cytogenetic location: 1q25.3.
Variant type: single nucleotide variant.
Coding change: c.3459G>A on transcript NM_002293.4 (MANE Select); coding-DNA position 3459, G replaced by A.
Protein change: p.Glu1153=; no amino-acid change (glutamic acid 1153 retained).
Molecular consequence: synonymous variant.
Genome position (GRCh38, 1-based): chr1:183,130,522, G>A. VCF-style: chr1-183130522-G-A. GRCh37 (hg19) VCF-style: chr1-183099657-G-A.
Identifiers: ClinVar variation 3044573 (VCV003044573.2), dbSNP rs200305826, ClinGen allele CA1281669.